The following is an entry in ClinVar:

ClinVar aggregate classification (germline): Uncertain significance (1 of 4 stars; one submission).

Conditions:
Cardiovascular phenotype. Identifiers: MedGen CN230736.

Submission:

Molecular Diagnostic Laboratory for Inherited Cardiovascular Disease, Montreal Heart Institute
Classification: Uncertain significance for Cardiovascular phenotype. Last evaluated: 2026-03-27. Review status: criteria provided, single submitter. Criteria: ACMG Guidelines, 2015. Collection method: clinical testing. Allele origin: germline. Affected: yes.
Comment: PM1, PM2

NM_001927.4(DES):c.1060G>A (p.Asp354Asn)

Gene: DES (desmin; plus strand). Cytogenetic location: 2q35.
Variant type: single nucleotide variant.
Coding change: c.1060G>A on transcript NM_001927.4 (MANE Select); coding-DNA position 1060, G replaced by A.
Protein change: p.Asp354Asn; replaces aspartic acid 354 with asparagine.
Molecular consequence: missense variant. On other transcripts: intron variant (2).
Genome position (GRCh38, 1-based): chr2:219,421,376, G>A. VCF-style: chr2-219421376-G-A. GRCh37 (hg19) VCF-style: chr2-220286098-G-A.
Other names: c.1057G>A, p.Asp353Asn (NM_001382708.1); c.1039G>A, p.Asp347Asn (NM_001382711.1); c.1060G>A, p.Asp354Asn (NM_001382712.1); c.790G>A, p.Asp264Asn (NM_001382713.1); c.1024-33G>A (NM_001382710.1); c.736-108G>A (NM_001382709.1); short protein forms D264N, D347N, D353N, D354N.
Identifiers: ClinVar variation 4820547 (VCV004820547.1), dbSNP rs894789839.